The following is an entry in ClinVar:

ClinVar aggregate classification (germline): Uncertain significance. Review status: criteria provided, multiple submitters, no conflicts (2 of 4 stars). 2 submissions from 2 submitters: Uncertain significance (2). Last evaluated 2025-06-18.

Conditions:
Familial acute necrotizing encephalopathy (IIAE3). Also called: ENCEPHALOPATHY, ACUTE, INFECTION-INDUCED, SUSCEPTIBILITY TO, 3; Susceptibility to Acute Necrotizing Encephalopathy 1. Identifiers: Orphanet 88619, MedGen C2675556, MONDO:0011953, OMIM 608033.

Submissions (2):

Ambry Genetics
Classification: Uncertain significance. Last evaluated: 2025-06-18. Review status: criteria provided, single submitter. Criteria: Ambry Variant Classification Scheme 2023. Collection method: clinical testing. Allele origin: germline.

Labcorp Genetics (formerly Invitae), Labcorp
Classification: Uncertain significance for Familial acute necrotizing encephalopathy. Last evaluated: 2020-03-30. Review status: criteria provided, single submitter. Criteria: Invitae Variant Classification Sherloc (09022015). Collection method: clinical testing. Allele origin: germline.
Comment: In summary, the available evidence is currently insufficient to determine the role of this variant in disease. Therefore, it has been classified as a Variant of Uncertain Significance. Algorithms developed to predict the effect of missense changes on protein structure and function are either unavailable or do not agree on the potential impact of this missense change (SIFT: "Deleterious"; PolyPhen-2: "Benign"; Align-GVGD: "Class C45"). This variant has not been reported in the literature in individuals with RANBP2-related conditions. This variant is not present in population databases (ExAC no frequency). This sequence change replaces arginine with glycine at codon 64 of the RANBP2 protein (p.Arg64Gly). The arginine residue is highly conserved and there is a moderate physicochemical difference between arginine and glycine.

NM_006267.5(RANBP2):c.190A>G (p.Arg64Gly)

Gene: RANBP2 (RAN binding protein 2; plus strand). Cytogenetic location: 2q13.
Variant type: single nucleotide variant.
Coding change: c.190A>G on transcript NM_006267.5 (MANE Select); coding-DNA position 190, A replaced by G.
Protein change: p.Arg64Gly; replaces arginine 64 with glycine.
Molecular consequence: missense variant.
Genome position (GRCh38, 1-based): chr2:108,730,823, A>G. VCF-style: chr2-108730823-A-G. GRCh37 (hg19) VCF-style: chr2-109347279-A-G.
Other names: c.190A>G (NM_006267.4); short protein forms R64G.
Identifiers: ClinVar variation 1004761 (VCV001004761.6), dbSNP rs1695110805, ClinGen allele CA348037716.